The following is an entry in ClinVar:

ClinVar aggregate classification (germline): Uncertain significance (1 of 4 stars; one submission).

Conditions:
Spermatogenic failure 18. Identifiers: MedGen C4539783, MONDO:0054615, OMIM 617576.
Ciliary dyskinesia, primary, 37 (CILD37). Also called: CILIARY DYSKINESIA, PRIMARY, 37, WITH OR WITHOUT SITUS INVERSUS. Identifiers: MedGen C4539798, MONDO:0033204, OMIM 617577.

Allele frequency attached by ClinVar (database versions not stated): gnomAD exomes below 0.00001.
gnomAD v4.1: 1 of 1,613,988 alleles (0.000062%); highest among the groups gnomAD compares: Non-Finnish European, 0.000085%; no homozygotes.

Submission:

Labcorp Genetics (formerly Invitae), Labcorp
Classification: Uncertain significance for Ciliary dyskinesia, primary, 37; Spermatogenic failure 18. Last evaluated: 2019-10-19. Review status: criteria provided, single submitter. Criteria: Invitae Variant Classification Sherloc (09022015). Collection method: clinical testing. Allele origin: germline.
Comment: In summary, the available evidence is currently insufficient to determine the role of this variant in disease. Therefore, it has been classified as a Variant of Uncertain Significance. Algorithms developed to predict the effect of missense changes on protein structure and function are either unavailable or do not agree on the potential impact of this missense change (SIFT: "Deleterious"; PolyPhen-2: "Benign"; Align-GVGD: "Class C0"). This variant has not been reported in the literature in individuals with DNAH1-related disease. This variant is not present in population databases (ExAC no frequency). This sequence change replaces glutamine with arginine at codon 1795 of the DNAH1 protein (p.Gln1795Arg). The glutamine residue is highly conserved and there is a small physicochemical difference between glutamine and arginine.

NM_015512.5(DNAH1):c.5384A>G (p.Gln1795Arg)

Gene: DNAH1 (dynein axonemal heavy chain 1; plus strand). Cytogenetic location: 3p21.1.
Variant type: single nucleotide variant.
Coding change: c.5384A>G on transcript NM_015512.5 (MANE Select); coding-DNA position 5384, A replaced by G.
Protein change: p.Gln1795Arg; replaces glutamine 1795 with arginine.
Molecular consequence: missense variant.
Genome position (GRCh38, 1-based): chr3:52,364,885, A>G. VCF-style: chr3-52364885-A-G. GRCh37 (hg19) VCF-style: chr3-52398901-A-G.
Other names: short protein forms Q1795R.
Identifiers: ClinVar variation 651408 (VCV000651408.8), dbSNP rs1578147447, ClinGen allele CA353144113.